The following is an entry in ClinVar:

NC_000010.10:g.(?_135175988)_(135184262_135186749)dup

Gene: ECHS1 (enoyl-CoA hydratase, short chain 1; minus strand). Cytogenetic location: 10q26.3.
Variant type: Duplication.
Identifiers: ClinVar variation 3384742 (VCV003384742.1).

ClinVar aggregate classification (germline): Uncertain significance (1 of 4 stars; one submission).

Submission:

Women's Health and Genetics/Laboratory Corporation of America, LabCorp
Classification: Uncertain significance. Last evaluated: 2024-10-11. Review status: criteria provided, single submitter. Criteria: LabCorp Variant Classification Summary - May 2015. Collection method: clinical testing. Allele origin: germline.
Comment: Variant summary: The variant involves the duplication of exons 2-8 in the ECHS1 gene. The exact breakpoint at the 3' end of this variant is unknown, therefore this duplication may extend downstream of the annotated region of the gene. As it duplicates the termination codon, its effect on the encoded protein is unknown. A presumed nomenclature of c.(88+1_89-1)_(*384_?)dup has been designated for the purposes of this classification. The variant was absent in 21206 control chromosomes (gnomAD). The available data on variant occurrences in the general population are insufficient to allow any conclusion about variant significance. To our knowledge, no occurrence of c.(88+1_89-1)_(*384_?)dup in individuals affected with Mitochondrial Short-Chain Enoyl-Coa Hydratase 1 Deficiency and no experimental evidence demonstrating its impact on protein function have been reported. No submitters have cited clinical-significance assessments for this variant to ClinVar. Based on the evidence outlined above, the variant was classified as uncertain significance.